The following is an entry in ClinVar:

ClinVar aggregate classification (germline): Uncertain significance. Review status: criteria provided, multiple submitters, no conflicts (2 of 4 stars). 2 submissions from 2 submitters: Uncertain significance (2). Last evaluated 2024-08-05.

Allele frequency attached by ClinVar (database versions not stated): ExAC 0.00001; gnomAD exomes 0.00001; gnomAD 0.00003; TOPMed 0.00003.
gnomAD v4.1: 18 of 1,614,098 alleles (0.0011%); highest among the groups gnomAD compares: Admixed American, 0.0017%; no homozygotes.

Submissions (2):

Ambry Genetics
Classification: Uncertain significance. Last evaluated: 2024-08-05. Review status: criteria provided, single submitter. Criteria: Ambry Variant Classification Scheme 2023. Collection method: clinical testing. Allele origin: germline.

Labcorp Genetics (formerly Invitae), Labcorp
Classification: Uncertain significance. Last evaluated: 2024-05-23. Review status: criteria provided, single submitter. Criteria: Invitae Variant Classification Sherloc (09022015). Collection method: clinical testing. Allele origin: germline.
Comment: This sequence change replaces leucine, which is neutral and non-polar, with proline, which is neutral and non-polar, at codon 501 of the CEP97 protein (p.Leu501Pro). This variant is present in population databases (rs761985984, gnomAD 0.002%). This variant has not been reported in the literature in individuals affected with CEP97-related conditions. ClinVar contains an entry for this variant (Variation ID: 2165320). Advanced modeling of protein sequence and biophysical properties (such as structural, functional, and spatial information, amino acid conservation, physicochemical variation, residue mobility, and thermodynamic stability) performed at Invitae indicates that this missense variant is not expected to disrupt CEP97 protein function with a negative predictive value of 80%. In summary, the available evidence is currently insufficient to determine the role of this variant in disease. Therefore, it has been classified as a Variant of Uncertain Significance.

NM_024548.4(CEP97):c.1502T>C (p.Leu501Pro)

Gene: CEP97 (centrosomal protein 97; plus strand). Cytogenetic location: 3q12.3.
Variant type: single nucleotide variant.
Coding change: c.1502T>C on transcript NM_024548.4 (MANE Select); coding-DNA position 1502, T replaced by C.
Protein change: p.Leu501Pro; replaces leucine 501 with proline.
Molecular consequence: missense variant.
Genome position (GRCh38, 1-based): chr3:101,758,108, T>C. VCF-style: chr3-101758108-T-C. GRCh37 (hg19) VCF-style: chr3-101476952-T-C.
Other names: c.1325T>C, p.Leu442Pro (NM_001303401.2); c.1400T>C, p.Leu467Pro (NM_001410784.1); c.1223T>C, p.Leu408Pro (NM_001410785.1); c.1502T>C (NM_024548.2); short protein forms L442P, L467P, L501P, L408P.
Identifiers: ClinVar variation 2165320 (VCV002165320.5), dbSNP rs761985984, ClinGen allele CA2522140.